The following is an entry in ClinVar:

NM_002739.5(PRKCG):c.187G>C (p.Gly63Arg)

Gene: PRKCG (protein kinase C gamma; plus strand). Cytogenetic location: 19q13.42.
Variant type: single nucleotide variant.
Coding change: c.187G>C on transcript NM_002739.5 (MANE Select); coding-DNA position 187, G replaced by C.
Protein change: p.Gly63Arg; replaces glycine 63 with arginine.
Molecular consequence: missense variant.
Genome position (GRCh38, 1-based): chr19:53,883,179, G>C. VCF-style: chr19-53883179-G-C. GRCh37 (hg19) VCF-style: chr19-54386433-G-C.
Other names: c.187G>C, p.Gly63Arg (NM_001316329.2); short protein forms G63R.
Identifiers: ClinVar variation 3256731 (VCV003256731.1).

ClinVar aggregate classification (germline): Likely pathogenic (0 of 4 stars; one submission).

Conditions:
Spinocerebellar ataxia type 14 (SCA14). Identifiers: Orphanet 98763, MedGen C1854369, MONDO:0011540, OMIM 605361.

Submission:

Solve-RD Consortium
Classification: Likely pathogenic for Spinocerebellar ataxia type 14. Last evaluated: 2022-06-01. Review status: no assertion criteria provided. Collection method: provider interpretation. Allele origin: inherited. Affected: yes.
Comment: Variant confirmed as disease-causing by referring clinical team

Variant identified during reanalysis of unsolved cases by the Solve-RD project. The Solve-RD project has received funding from the European Union’s Horizon 2020 research and innovation programme under grant agreement No 779257.

Literature cited by the submitters: PubMed 39825153.